The following is an entry in ClinVar:

NM_000925.4(PDHB):c.314G>A (p.Arg105Gln)

Gene: PDHB (pyruvate dehydrogenase E1 subunit beta; minus strand). Cytogenetic location: 3p14.3.
Variant type: single nucleotide variant.
Coding change: c.314G>A on transcript NM_000925.4 (MANE Select); coding-DNA position 314, G replaced by A.
Protein change: p.Arg105Gln; replaces arginine 105 with glutamine.
Molecular consequence: missense variant. On other transcripts: non-coding transcript variant (1).
Genome position (GRCh38, 1-based): chr3:58,430,932, C>T on the plus strand (G>A on the coding strand, the complement: PDHB is on the minus strand). VCF-style: chr3-58430932-C-T. GRCh37 (hg19) VCF-style: chr3-58416659-C-T.
Other names: c.314G>A, p.Arg105Gln (NM_001173468.2); c.260G>A, p.Arg87Gln (NM_001315536.2); short protein forms R105Q, R87Q.
Identifiers: ClinVar variation 978595 (VCV000978595.10), dbSNP rs868788199, ClinGen allele CA75457114.

ClinVar aggregate classification (germline): Conflicting classifications of pathogenicity. Review status: criteria provided, conflicting classifications (1 of 4 stars). 4 submissions from 4 submitters: Likely pathogenic (2); Uncertain significance (1). 1 of the submissions does not count toward it. Last evaluated 2026-03-04.

Conditions:
Pyruvate dehydrogenase E1-beta deficiency (PDHBD). Identifiers: Orphanet 255138, Orphanet 765, MedGen C3279841, MONDO:0013580, OMIM 614111.

gnomAD v4.1: 2 of 1,614,062 alleles (0.00012%); highest among the groups gnomAD compares: East Asian, 0.0022%; no homozygotes.

Submissions (4):

Women's Health and Genetics/Laboratory Corporation of America, LabCorp
Classification: Uncertain significance. Last evaluated: 2026-03-04. Review status: criteria provided, single submitter. Criteria: LabCorp Variant Classification Summary - May 2015. Collection method: clinical testing. Allele origin: germline.
Comment: Variant summary: PDHB c.314G>A (p.Arg105Gln) results in a conservative amino acid change in the encoded protein sequence. Algorithms developed to predict the effect of missense changes on protein structure and function are either unavailable or do not agree on the potential impact of this missense change. The variant was absent in 249554 control chromosomes. The available data on variant occurrences in the general population are insufficient to allow any conclusion about variant significance. c.314G>A has been observed in the compound heterozygous state in at least one individual affected with Pyruvate Dehydrogenase E1-Beta Deficiency (example: Quintana_2009). These data do not allow any conclusion about variant significance. In at least 1 publication, this variant was reported in association with reduced enzyme complex activity and reduced/abolished PDHB subunit protein expression (example, Quintana_2009) however the data were derived from compound heterozygous patient sample(s). The following publication has been ascertained in the context of this evaluation (PMID: 19924563). ClinVar contains an entry for this variant (Variation ID: 978595). Based on the evidence outlined above, the variant was classified as VUS-possibly pathogenic.

Fulgent Genetics
Classification: Likely pathogenic for Pyruvate dehydrogenase E1-beta deficiency. Last evaluated: 2024-01-15. Review status: criteria provided, single submitter. Criteria: ACMG Guidelines, 2015. Collection method: clinical testing. Allele origin: germline.

Labcorp Genetics (formerly Invitae), Labcorp
Classification: Likely pathogenic for Pyruvate dehydrogenase E1-beta deficiency. Last evaluated: 2023-07-26. Review status: criteria provided, single submitter. Criteria: Invitae Variant Classification Sherloc (09022015). Collection method: clinical testing. Allele origin: germline.
Comment: This sequence change replaces arginine, which is basic and polar, with glutamine, which is neutral and polar, at codon 105 of the PDHB protein (p.Arg105Gln). This variant is not present in population databases (gnomAD no frequency). This missense change has been observed in individual(s) with clinical features of pyruvate dehydrogenase complex deficiency (PMID: 19924563). In at least one individual the data is consistent with being in trans (on the opposite chromosome) from a pathogenic variant. This variant is also known as c.313G>A. ClinVar contains an entry for this variant (Variation ID: 978595). Advanced modeling of protein sequence and biophysical properties (such as structural, functional, and spatial information, amino acid conservation, physicochemical variation, residue mobility, and thermodynamic stability) performed at Invitae indicates that this missense variant is expected to disrupt PDHB protein function. In summary, the currently available evidence indicates that the variant is pathogenic, but additional data are needed to prove that conclusively. Therefore, this variant has been classified as Likely Pathogenic.

OMIM
Classification: Pathogenic for PYRUVATE DEHYDROGENASE E1-BETA DEFICIENCY. Last evaluated: 2020-09-28. Review status: no assertion criteria provided. Collection method: literature only. Allele origin: germline. Not counted in ClinVar's aggregate classification.

Literature cited by the submitters: PubMed 19924563 (cited by 3 submitters).